The following is an entry in ClinVar:

ClinVar aggregate classification (germline): Uncertain significance (1 of 4 stars; one submission).

Conditions:
Hereditary cancer-predisposing syndrome. Also called: Neoplastic Syndromes, Hereditary; Tumor predisposition; Hereditary Cancer Syndrome; Hereditary neoplastic syndrome. Identifiers: Orphanet 140162, MedGen C0027672, MeSH D009386, MONDO:0015356.

gnomAD v4.1: 1 of 1,614,164 alleles (0.000062%); highest among the groups gnomAD compares: Non-Finnish European, 0.000085%; no homozygotes.

Submission:

Ambry Genetics
Classification: Uncertain significance for Hereditary cancer-predisposing syndrome. Last evaluated: 2025-10-16. Review status: criteria provided, single submitter. Criteria: Ambry Variant Classification Scheme 2023. Collection method: clinical testing. Allele origin: germline.
Comment: The p.P759T variant (also known as c.2275C>A), located in coding exon 11 of the BARD1 gene, results from a C to A substitution at nucleotide position 2275. The proline at codon 759 is replaced by threonine, an amino acid with highly similar properties. This amino acid position is conserved. In addition, this alteration is predicted to be tolerated by in silico analysis. Based on the available evidence, the clinical significance of this variant remains unclear.

NM_000465.4(BARD1):c.2275C>A (p.Pro759Thr)

Gene: BARD1 (BRCA1 associated RING domain 1; minus strand). Cytogenetic location: 2q35.
Variant type: single nucleotide variant.
Coding change: c.2275C>A on transcript NM_000465.4 (MANE Select); coding-DNA position 2275, C replaced by A.
Protein change: p.Pro759Thr; replaces proline 759 with threonine.
Molecular consequence: missense variant. On other transcripts: non-coding transcript variant (3).
Genome position (GRCh38, 1-based): chr2:214,728,735, G>T on the plus strand (C>A on the coding strand, the complement: BARD1 is on the minus strand). VCF-style: chr2-214728735-G-T. GRCh37 (hg19) VCF-style: chr2-215593459-G-T.
Other names: c.2218C>A, p.Pro740Thr (NM_001282543.2); c.922C>A, p.Pro308Thr (NM_001282545.2); c.865C>A, p.Pro289Thr (NM_001282548.2); c.736C>A, p.Pro246Thr (NM_001282549.2); short protein forms P289T, P308T, P759T, P246T, P740T.
Identifiers: ClinVar variation 4621687 (VCV004621687.1).
Genomic context (GRCh38, chr2:214,728,735, plus strand): 5'-TTCAGCTGTCAAGAGGAAGCAACTCAAAGGACATCACACAGTCTATAAACCAGCTCGAAG[G>T]AGCCTTCCAGACTTTGCCCTGCCGAACCCTCTCTGGGTGATAATTACACAAATCTTCATA-3'
Protein context (NP_000456.2, residues 749-769): RVRQGKVWKA[Pro759Thr]SSWFIDCVMS